The following is an entry in ClinVar:

NM_013450.4(BAZ2B):c.5138-9T>C

Gene: BAZ2B (bromodomain adjacent to zinc finger domain 2B; minus strand). Cytogenetic location: 2q24.2.
Variant type: single nucleotide variant.
Coding change: c.5138-9T>C on transcript NM_013450.4 (MANE Select); 9 bases into the intron before coding-DNA position 5138, T replaced by C.
Molecular consequence: intron variant.
Genome position (GRCh38, 1-based): chr2:159,348,842, A>G on the plus strand (T>C on the coding strand, the complement: BAZ2B is on the minus strand). VCF-style: chr2-159348842-A-G. GRCh37 (hg19) VCF-style: chr2-160205353-A-G.
Other names: c.5030-9T>C (NM_001289975.1); c.4976-9T>C (NM_001329857.2); c.5063-9T>C (NM_001329858.2).
Identifiers: ClinVar variation 775766 (VCV000775766.5), dbSNP rs73967821, ClinGen allele CA1923960.

ClinVar aggregate classification (germline): Benign. Review status: criteria provided, single submitter (1 of 4 stars). 2 submissions from 2 submitters: Benign (1). 1 of the submissions does not count toward it. Last evaluated 2018-03-29.

Conditions:
BAZ2B-related disorder. Also called: BAZ2B-related condition.

Allele frequency attached by ClinVar (database versions not stated): gnomAD exomes 0.00151 and 0.00449; ExAC 0.00479; gnomAD 0.01563 and 0.01678; ESP Exome Variant Server 0.01612; TOPMed 0.01819; 1000 Genomes Project 0.02017; 1000 Genomes Project 30x 0.02139.
gnomAD v4.1: 4,673 of 1,583,604 alleles (0.3%); highest among the groups gnomAD compares: African/African-American, 5.4%; 112 homozygotes.

Submissions (2):

Labcorp Genetics (formerly Invitae), Labcorp
Classification: Benign. Last evaluated: 2018-03-29. Review status: criteria provided, single submitter. Criteria: Invitae Variant Classification Sherloc (09022015). Collection method: clinical testing. Allele origin: germline.

PreventionGenetics, part of Exact Sciences
Classification: Benign for BAZ2B-related condition. Last evaluated: 2020-10-21. Review status: no assertion criteria provided. Collection method: clinical testing. Allele origin: germline. Not counted in ClinVar's aggregate classification.
Comment: This variant is classified as benign based on ACMG/AMP sequence variant interpretation guidelines (Richards et al. 2015 PMID: 25741868, with internal and published modifications).